The following is an entry in ClinVar:

NM_004187.5(KDM5C):c.2204A>G (p.Asn735Ser)

Gene: KDM5C (lysine demethylase 5C; minus strand). Cytogenetic location: Xp11.22.
Variant type: single nucleotide variant.
Coding change: c.2204A>G on transcript NM_004187.5 (MANE Select); coding-DNA position 2204, A replaced by G.
Protein change: p.Asn735Ser; replaces asparagine 735 with serine.
Molecular consequence: missense variant. On other transcripts: non-coding transcript variant (3).
Genome position (GRCh38, 1-based): chrX:53,199,016, T>C on the plus strand (A>G on the coding strand, the complement: KDM5C is on the minus strand). VCF-style: chrX-53199016-T-C. GRCh37 (hg19) VCF-style: chrX-53228198-T-C.
Other names: c.2003A>G, p.Asn668Ser (NM_001146702.2); c.2201A>G, p.Asn734Ser (NM_001282622.3, NM_001353979.2, NM_001353982.2); c.2204A>G, p.Asn735Ser (NM_001353978.3, NM_001353981.2, NM_001353984.2); short protein forms N668S, N734S, N735S.
Identifiers: ClinVar variation 1695301 (VCV001695301.31), dbSNP rs782088735, ClinGen allele CA10419437.
Genomic context (GRCh38, chrX:53,199,016, plus strand): 5'-TCCAGAAAGGCCCATGCTCACCGCAGGTACTGCCGGCTACTGGAGCACTTGCAGAGATCA[T>C]TGATGTGGGAAAGGCAGACAAGGCCGTCTGGGCAGTCGTAGCAGGCCAGGGCTGACAGGA-3'
Protein context (NP_004178.2, residues 725-745): PDGLVCLSHI[Asn735Ser]DLCKCSSSRQ

ClinVar aggregate classification (germline): Uncertain significance (1 of 4 stars; one submission).

Allele frequency attached by ClinVar (database versions not stated): ExAC 0.00001; TOPMed 0.00001; gnomAD exomes 0.00002.
gnomAD v4.1: 18 of 1,211,856 alleles (0.0015%); highest among the groups gnomAD compares: East Asian, 0.0059%; no homozygotes.

Submission:

CeGaT Center for Human Genetics Tuebingen
Classification: Uncertain significance. Last evaluated: 2022-04-01. Review status: criteria provided, single submitter. Criteria: CeGaT Center For Human Genetics Tuebingen Variant Classification Criteria Version 2. Collection method: clinical testing. Allele origin: germline. Affected: yes. Observed: 1 variant allele.
Comment: KDM5C: PP2